The following is an entry in ClinVar:

NM_016213.5(TRIP4):c.1636G>A (p.Glu546Lys)

Genes: TRIP4 (thyroid hormone receptor interactor 4; plus strand), LOC126862156 (MED14-independent group 3 enhancer GRCh37_chr15:64736443-64737642; plus strand). Cytogenetic location: 15q22.31.
Variant type: single nucleotide variant.
Coding change: c.1636G>A on transcript NM_016213.5 (MANE Select); coding-DNA position 1636, G replaced by A.
Protein change: p.Glu546Lys; replaces glutamic acid 546 with lysine.
Molecular consequence: missense variant. On other transcripts: non-coding transcript variant (1).
Genome position (GRCh38, 1-based): chr15:64,445,066, G>A. VCF-style: chr15-64445066-G-A. GRCh37 (hg19) VCF-style: chr15-64737265-G-A.
Other names: p.Glu546Lys; c.946G>A, p.Glu316Lys (NM_001321924.2); short protein forms E316K, E546K.
Identifiers: ClinVar variation 2683317 (VCV002683317.1), dbSNP rs1892595038, ClinGen allele CA392825742.

ClinVar aggregate classification (germline): Uncertain significance (1 of 4 stars; one submission).

Allele frequency attached by ClinVar (database versions not stated): gnomAD exomes below 0.00001; TOPMed below 0.00001.
gnomAD v4.1: 1 of 1,607,140 alleles (0.000062%); highest among the groups gnomAD compares: Non-Finnish European, 0.000085%; no homozygotes.

Submission:

Mayo Clinic Laboratories, Mayo Clinic
Classification: Uncertain significance. Last evaluated: 2023-01-19. Review status: criteria provided, single submitter. Criteria: ACMG Guidelines, 2015. Collection method: clinical testing. Allele origin: germline. Observed: 1 variant allele.
Comment: PM2